The following is an entry in ClinVar:

ClinVar aggregate classification (germline): Uncertain significance. Review status: criteria provided, multiple submitters, no conflicts (2 of 4 stars). 3 submissions from 3 submitters: Uncertain significance (3). Last evaluated 2024-07-01.

Conditions:
Polyglandular autoimmune syndrome, type 1 (APS1). Also called: PGA I; Autoimmune polyendocrinopathy syndrome , type I, with or without reversible metaphyseal dysplasia; AUTOIMMUNE POLYENDOCRINE SYNDROME, TYPE I, WITH OR WITHOUT REVERSIBLE METAPHYSEAL DYSPLASIA; Autoimmune polyendocrine syndrome type 1; Whitaker syndrome; APS I. Identifiers: Orphanet 3453, MedGen C0085859, MONDO:0009411, OMIM 240300.

Allele frequency attached by ClinVar (database versions not stated): TOPMed below 0.00001; ExAC 0.00001; gnomAD 0.00001.

Submissions (3):

CeGaT Center for Human Genetics Tuebingen
Classification: Uncertain significance. Last evaluated: 2024-07-01. Review status: criteria provided, single submitter. Criteria: CeGaT Center For Human Genetics Tuebingen Variant Classification Criteria Version 2. Collection method: clinical testing. Allele origin: germline. Affected: yes. Observed: 1 variant allele.
Comment: AIRE: PM2, BP4

Blueprint Genetics
Classification: Uncertain significance. Last evaluated: 2023-04-17. Review status: criteria provided, single submitter. Criteria: ACMG Guidelines, 2015. Collection method: clinical testing. Allele origin: germline.

Labcorp Genetics (formerly Invitae), Labcorp
Classification: Uncertain significance for Polyglandular autoimmune syndrome, type 1. Last evaluated: 2022-10-21. Review status: criteria provided, single submitter. Criteria: Invitae Variant Classification Sherloc (09022015). Collection method: clinical testing. Allele origin: germline.
Comment: This sequence change replaces valine, which is neutral and non-polar, with methionine, which is neutral and non-polar, at codon 206 of the AIRE protein (p.Val206Met). This variant is present in population databases (rs780838923, gnomAD 0.003%). This variant has not been reported in the literature in individuals affected with AIRE-related conditions. Advanced modeling of protein sequence and biophysical properties (such as structural, functional, and spatial information, amino acid conservation, physicochemical variation, residue mobility, and thermodynamic stability) performed at Invitae indicates that this missense variant is not expected to disrupt AIRE protein function. In summary, the available evidence is currently insufficient to determine the role of this variant in disease. Therefore, it has been classified as a Variant of Uncertain Significance.

NM_000383.4(AIRE):c.616G>A (p.Val206Met)

Gene: AIRE (autoimmune regulator; plus strand). Cytogenetic location: 21q22.3.
Variant type: single nucleotide variant.
Coding change: c.616G>A on transcript NM_000383.4 (MANE Select); coding-DNA position 616, G replaced by A.
Protein change: p.Val206Met; replaces valine 206 with methionine.
Molecular consequence: missense variant.
Genome position (GRCh38, 1-based): chr21:44,288,422, G>A. VCF-style: chr21-44288422-G-A. GRCh37 (hg19) VCF-style: chr21-45708305-G-A.
Other names: short protein forms V206M.
Identifiers: ClinVar variation 2148727 (VCV002148727.26), dbSNP rs780838923, ClinGen allele CA10051643.